The following is an entry in ClinVar:

NM_001430.5(EPAS1):c.365C>A (p.Thr122Lys)

Gene: EPAS1 (endothelial PAS domain protein 1; plus strand). Cytogenetic location: 2p21.
Variant type: single nucleotide variant.
Coding change: c.365C>A on transcript NM_001430.5 (MANE Select); coding-DNA position 365, C replaced by A.
Protein change: p.Thr122Lys; replaces threonine 122 with lysine.
Molecular consequence: missense variant.
Genome position (GRCh38, 1-based): chr2:46,356,298, C>A. VCF-style: chr2-46356298-C-A. GRCh37 (hg19) VCF-style: chr2-46583437-C-A.
Other names: short protein forms T122K.
Identifiers: ClinVar variation 3275663 (VCV003275663.1).
Genomic context (GRCh38, chr2:46,356,298, plus strand): 5'-TGACCCAAGATGGCGACATGATCTTTCTGTCAGAAAACATCAGCAAGTTCATGGGACTTA[C>A]ACAGGTGACACCCTCCTCTATCTCTTTCAAAAGAAGAAATGTTTCCATTTGGGGGTAGAA-3'
Protein context (NP_001421.2, residues 112-132): SENISKFMGL[Thr122Lys]QVELTGHSIF

ClinVar aggregate classification (germline): Uncertain significance (1 of 4 stars; one submission).

Conditions:
Inborn genetic diseases. Identifiers: MedGen C0950123, MeSH D030342.

gnomAD v4.1: 5 of 1,614,082 alleles (0.00031%); highest among the groups gnomAD compares: Middle Eastern, 0.016%; no homozygotes.

Submission:

Ambry Genetics
Classification: Uncertain significance for Inborn genetic diseases. Last evaluated: 2024-03-28. Review status: criteria provided, single submitter. Criteria: Ambry Variant Classification Scheme 2023. Collection method: clinical testing. Allele origin: germline.
Comment: The p.T122K variant (also known as c.365C>A), located in coding exon 3 of the EPAS1 gene, results from a C to A substitution at nucleotide position 365. The threonine at codon 122 is replaced by lysine, an amino acid with similar properties. This amino acid position is conserved. In addition, the in silico prediction for this alteration is inconclusive. Based on the available evidence, the clinical significance of this alteration remains unclear.